The following is an entry in ClinVar:

NM_024652.6(LRRK1):c.524C>T (p.Thr175Met)

Gene: LRRK1 (leucine rich repeat kinase 1; plus strand). Cytogenetic location: 15q26.3.
Variant type: single nucleotide variant.
Coding change: c.524C>T on transcript NM_024652.6 (MANE Select); coding-DNA position 524, C replaced by T.
Protein change: p.Thr175Met; replaces threonine 175 with methionine.
Molecular consequence: missense variant.
Genome position (GRCh38, 1-based): chr15:100,988,724, C>T. VCF-style: chr15-100988724-C-T. GRCh37 (hg19) VCF-style: chr15-101528929-C-T.
Other names: short protein forms T175M.
Identifiers: ClinVar variation 2155338 (VCV002155338.2), dbSNP rs202112893, ClinGen allele CA7760618.

ClinVar aggregate classification (germline): Uncertain significance (1 of 4 stars; one submission).

Allele frequency attached by ClinVar (database versions not stated): gnomAD exomes 0.00009; ExAC 0.00013; TOPMed 0.00014; gnomAD 0.00017; ESP Exome Variant Server 0.00024; 1000 Genomes Project 30x 0.00062; 1000 Genomes Project 0.00100.
gnomAD v4.1: 157 of 1,614,164 alleles (0.0097%); highest among the groups gnomAD compares: Middle Eastern, 0.033%; 1 homozygote.

Submission:

Labcorp Genetics (formerly Invitae), Labcorp
Classification: Uncertain significance. Last evaluated: 2025-06-05. Review status: criteria provided, single submitter. Criteria: Invitae Variant Classification Sherloc (09022015). Collection method: clinical testing. Allele origin: germline.
Comment: This sequence change replaces threonine, which is neutral and polar, with methionine, which is neutral and non-polar, at codon 175 of the LRRK1 protein (p.Thr175Met). This variant is present in population databases (rs202112893, gnomAD 0.03%). This variant has not been reported in the literature in individuals affected with LRRK1-related conditions. ClinVar contains an entry for this variant (Variation ID: 2155338). An algorithm developed to predict the effect of missense changes on protein structure and function (PolyPhen-2) suggests that this variant is likely to be tolerated. In summary, the available evidence is currently insufficient to determine the role of this variant in disease. Therefore, it has been classified as a Variant of Uncertain Significance.